The following is an entry in ClinVar:

ClinVar aggregate classification (germline): Uncertain significance (1 of 4 stars; one submission).

Allele frequency attached by ClinVar (database versions not stated): ExAC 0.00001; gnomAD 0.00002; gnomAD exomes below 0.00001 and 0.00001; TOPMed 0.00003; ESP Exome Variant Server 0.00008.
gnomAD v4.1: 8 of 1,610,124 alleles (0.0005%); highest among the groups gnomAD compares: Non-Finnish European, 0.00068%; no homozygotes.

Submission:

GeneDx
Classification: Uncertain significance. Last evaluated: 2025-12-09. Review status: criteria provided, single submitter. Criteria: GeneDx Variant Classification Process June 2021. Collection method: clinical testing. Allele origin: germline. Affected: yes.
Comment: Not observed at significant frequency in large population cohorts (gnomAD); Nonsense variant predicted to result in protein truncation or nonsense mediated decay in a gene or region of a gene for which loss of function is not a well-established mechanism of disease; Observed with a second TRAPPC12 variant on the opposite allele (in trans) in a proband with congenital brain malformations and dysmorphic features (PMID: 36064943); This variant is associated with the following publications: (PMID: 36064943)

NM_016030.6(TRAPPC12):c.1600C>T (p.Gln534Ter)

Gene: TRAPPC12 (trafficking protein particle complex subunit 12; plus strand). Cytogenetic location: 2p25.3.
Variant type: single nucleotide variant.
Coding change: c.1600C>T on transcript NM_016030.6 (MANE Select); coding-DNA position 1600, C replaced by T.
Protein change: p.Gln534Ter; replaces glutamine 534 with a stop codon.
Molecular consequence: nonsense.
Genome position (GRCh38, 1-based): chr2:3,457,690, C>T. VCF-style: chr2-3457690-C-T. GRCh37 (hg19) VCF-style: chr2-3461461-C-T.
Other names: c.1600C>T, p.Gln534Ter (NM_001321102.2); short protein forms Q534*.
Identifiers: ClinVar variation 1306427 (VCV001306427.3), dbSNP rs373791841, ClinGen allele CA1515512.